The following is an entry in ClinVar:

NM_000135.4(FANCA):c.3949C>T (p.Arg1317Trp)

Genes: FANCA (FA complementation group A; minus strand), ZNF276 (zinc finger protein 276; plus strand). Cytogenetic location: 16q24.3.
Variant type: single nucleotide variant.
Coding change: c.3949C>T on transcript NM_000135.4 (MANE Select); coding-DNA position 3949, C replaced by T.
Protein change: p.Arg1317Trp; replaces arginine 1317 with tryptophan.
Molecular consequence: missense variant. On other transcripts: 3 prime UTR variant (2), non-coding transcript variant (4).
Genome position (GRCh38, 1-based): chr16:89,739,539, G>A on the plus strand (C>T on the coding strand, the complement: FANCA is on the minus strand). VCF-style: chr16-89739539-G-A. GRCh37 (hg19) VCF-style: chr16-89805947-G-A.
Other names: c.3949C>T, p.Arg1317Trp (NM_001286167.3); c.*1293G>A (NM_001113525.2, NM_152287.4); short protein forms R1317W.
Identifiers: ClinVar variation 408198 (VCV000408198.14), dbSNP rs200215131, ClinGen allele CA8250853.

ClinVar aggregate classification (germline): Uncertain significance. Review status: criteria provided, multiple submitters, no conflicts (2 of 4 stars). 5 submissions from 5 submitters: Uncertain significance (4). 1 of the submissions does not count toward it. Last evaluated 2024-11-17.

Conditions:
Inborn genetic diseases. Identifiers: MedGen C0950123, MeSH D030342.
Fanconi anemia (FA). Also called: Fanconi's anemia. Identifiers: Orphanet 84, MedGen C0015625, MeSH D005199, MONDO:0019391.
Fanconi anemia complementation group A (FANCA). Also called: FANCA-Related Fanconi Anemia; Fanconi anemia, group A. Identifiers: Orphanet 84, MedGen C3469521, MONDO:0009215, OMIM 227650.

Allele frequency attached by ClinVar (database versions not stated): ExAC below 0.00001; TOPMed below 0.00001; gnomAD 0.00001 and 0.00002; 1000 Genomes Project 30x 0.00016; 1000 Genomes Project 0.00020.
gnomAD v4.1: 38 of 1,551,270 alleles (0.0024%); highest among the groups gnomAD compares: Middle Eastern, 0.017%; no homozygotes.

Submissions (5):

Ambry Genetics
Classification: Uncertain significance for Inborn genetic diseases. Last evaluated: 2024-11-17. Review status: criteria provided, single submitter. Criteria: Ambry Variant Classification Scheme 2023. Collection method: clinical testing. Allele origin: germline.
Comment: The p.R1317W variant (also known as c.3949C>T), located in coding exon 40 of the FANCA gene, results from a C to T substitution at nucleotide position 3949. The arginine at codon 1317 is replaced by tryptophan, an amino acid with dissimilar properties. This amino acid position is conserved. In addition, this alteration is predicted to be tolerated by in silico analysis. Based on the available evidence, the clinical significance of this variant remains unclear.

Fulgent Genetics
Classification: Uncertain significance for Fanconi anemia complementation group A. Last evaluated: 2024-06-12. Review status: criteria provided, single submitter. Criteria: ACMG Guidelines, 2015. Collection method: clinical testing. Allele origin: germline.

Labcorp Genetics (formerly Invitae), Labcorp
Classification: Uncertain significance for Fanconi anemia. Last evaluated: 2022-03-05. Review status: criteria provided, single submitter. Criteria: Invitae Variant Classification Sherloc (09022015). Collection method: clinical testing. Allele origin: germline.
Comment: This sequence change replaces arginine, which is basic and polar, with tryptophan, which is neutral and slightly polar, at codon 1317 of the FANCA protein (p.Arg1317Trp). The frequency data for this variant in the population databases is considered unreliable, as metrics indicate poor data quality at this position in the gnomAD database. This variant has not been reported in the literature in individuals affected with FANCA-related conditions. ClinVar contains an entry for this variant (Variation ID: 408198). Advanced modeling of protein sequence and biophysical properties (such as structural, functional, and spatial information, amino acid conservation, physicochemical variation, residue mobility, and thermodynamic stability) performed at Invitae indicates that this missense variant is not expected to disrupt FANCA protein function. In summary, the available evidence is currently insufficient to determine the role of this variant in disease. Therefore, it has been classified as a Variant of Uncertain Significance.

Genome-Nilou Lab
Classification: Uncertain significance for Fanconi anemia complementation group A. Last evaluated: 2021-07-22. Review status: criteria provided, single submitter. Criteria: ACMG Guidelines, 2015. Collection method: clinical testing. Allele origin: germline. Affected: no.

Natera, Inc.
Classification: Uncertain significance for Fanconi anemia. Last evaluated: 2021-08-04. Review status: no assertion criteria provided. Collection method: clinical testing. Allele origin: germline. Not counted in ClinVar's aggregate classification.